The following is an entry in ClinVar:

NM_007186.6(CEP250):c.242G>C (p.Gly81Ala)

Gene: CEP250 (centrosomal protein 250; plus strand). Cytogenetic location: 20q11.22.
Variant type: single nucleotide variant.
Coding change: c.242G>C on transcript NM_007186.6 (MANE Select); coding-DNA position 242, G replaced by C.
Protein change: p.Gly81Ala; replaces glycine 81 with alanine.
Molecular consequence: missense variant. On other transcripts: 5 prime UTR variant (1).
Genome position (GRCh38, 1-based): chr20:35,463,630, G>C. VCF-style: chr20-35463630-G-C. GRCh37 (hg19) VCF-style: chr20-34051455-G-C.
Other names: c.-1658G>C (NM_001318219.1); short protein forms G81A.
Identifiers: ClinVar variation 1004057 (VCV001004057.7), dbSNP rs2062807673, ClinGen allele CA408752211.

ClinVar aggregate classification (germline): Uncertain significance (1 of 4 stars; one submission).

Submission:

Labcorp Genetics (formerly Invitae), Labcorp
Classification: Uncertain significance. Last evaluated: 2020-10-08. Review status: criteria provided, single submitter. Criteria: Invitae Variant Classification Sherloc (09022015). Collection method: clinical testing. Allele origin: germline.
Comment: Algorithms developed to predict the effect of missense changes on protein structure and function are either unavailable or do not agree on the potential impact of this missense change (SIFT: "Not Available"; PolyPhen-2: "Possibly Damaging"; Align-GVGD: "Not Available"). In summary, the available evidence is currently insufficient to determine the role of this variant in disease. Therefore, it has been classified as a Variant of Uncertain Significance. This variant has not been reported in the literature in individuals with CEP250-related conditions. This sequence change replaces glycine with alanine at codon 81 of the CEP250 protein (p.Gly81Ala). The glycine residue is moderately conserved and there is a small physicochemical difference between glycine and alanine. This variant is not present in population databases (ExAC no frequency).